The following is an entry in ClinVar:

NM_002769.5(PRSS1):c.436A>T (p.Asn146Tyr)

Genes: PRSS1 (serine protease 1; plus strand), TRB (T cell receptor beta locus; plus strand). Cytogenetic location: 7q34.
Variant type: single nucleotide variant.
Coding change: c.436A>T on transcript NM_002769.5 (MANE Select); coding-DNA position 436, A replaced by T.
Protein change: p.Asn146Tyr; replaces asparagine 146 with tyrosine.
Molecular consequence: missense variant. On other transcripts: non-coding transcript variant (5).
Genome position (GRCh38, 1-based): chr7:142,752,009, A>T. VCF-style: chr7-142752009-A-T. GRCh37 (hg19) VCF-style: chr7-142459860-A-T.
Other names: short protein forms N146Y.
Identifiers: ClinVar variation 4145710 (VCV004145710.1).
Genomic context (GRCh38, chr7:142,752,009, plus strand): 5'-ATCTCTCTGCCCACCGCCCCTCCAGCCACTGGCACGAAGTGCCTCATCTCTGGCTGGGGC[A>T]ACACTGCGAGCTCTGGCGGTGAGTGGGACCCTTAGTCCTTCTACTTCCCTCCATCCTCAC-3'
Protein context (NP_002760.1, residues 136-156): GTKCLISGWG[Asn146Tyr]TASSGADYPD

ClinVar aggregate classification (germline): Uncertain significance (1 of 4 stars; one submission).

Conditions:
Hereditary pancreatitis (PCTT). Also called: Hereditary chronic pancreatitis; PRSS1-Related Hereditary Pancreatitis. Identifiers: Orphanet 676, MedGen C0238339, MONDO:0008185, OMIM 167800.

gnomAD v4.1: 2 of 1,614,156 alleles (0.00012%); highest among the groups gnomAD compares: Non-Finnish European, 0.00017%; no homozygotes.

Submission:

Ambry Genetics
Classification: Uncertain significance for Hereditary pancreatitis. Last evaluated: 2025-09-01. Review status: criteria provided, single submitter. Criteria: Ambry Variant Classification Scheme 2023. Collection method: clinical testing. Allele origin: germline.
Comment: The p.N146Y variant (also known as c.436A>T), located in coding exon 3 of the PRSS1 gene, results from an A to T substitution at nucleotide position 436. The asparagine at codon 146 is replaced by tyrosine, an amino acid with dissimilar properties. This amino acid position is conserved. In addition, the in silico prediction for this alteration is inconclusive. Based on the available evidence, the clinical significance of this variant remains unclear.